The following is an entry in ClinVar:

ClinVar aggregate classification (germline): Uncertain significance (1 of 4 stars; one submission).

Conditions:
Familial sleep-related hypermotor epilepsy. Also called: Autosomal Dominant Sleep-Related Hypermotor (Hyperkinetic) Epilepsy. Identifiers: Orphanet 98784, MedGen C3696898, MONDO:0000030.

Submission:

Labcorp Genetics (formerly Invitae), Labcorp
Classification: Uncertain significance. Last evaluated: 2025-03-18. Review status: criteria provided, single submitter. Criteria: Invitae Variant Classification Sherloc (09022015). Collection method: clinical testing. Allele origin: germline.
Comment: This sequence change replaces asparagine, which is neutral and polar, with histidine, which is basic and polar, at codon 101 of the CHRNB2 protein (p.Asn101His). This variant is not present in population databases (gnomAD no frequency). This variant has not been reported in the literature in individuals affected with CHRNB2-related conditions. ClinVar contains an entry for this variant (Variation ID: 1484231). Invitae Evidence Modeling of protein sequence and biophysical properties (such as structural, functional, and spatial information, amino acid conservation, physicochemical variation, residue mobility, and thermodynamic stability) indicates that this missense variant is not expected to disrupt CHRNB2 protein function with a negative predictive value of 80%. In summary, the available evidence is currently insufficient to determine the role of this variant in disease. Therefore, it has been classified as a Variant of Uncertain Significance.

NM_000748.3(CHRNB2):c.301A>C (p.Asn101His)

Gene: CHRNB2 (cholinergic receptor nicotinic beta 2 subunit; plus strand). Cytogenetic location: 1q21.3.
Variant type: single nucleotide variant.
Coding change: c.301A>C on transcript NM_000748.3 (MANE Select); coding-DNA position 301, A replaced by C.
Protein change: p.Asn101His; replaces asparagine 101 with histidine.
Molecular consequence: missense variant.
Genome position (GRCh38, 1-based): chr1:154,570,303, A>C. VCF-style: chr1-154570303-A-C. GRCh37 (hg19) VCF-style: chr1-154542779-A-C.
Other names: short protein forms N101H.
Identifiers: ClinVar variation 1484231 (VCV001484231.8), dbSNP rs929185848, ClinGen allele CA342629706.